The following is an entry in ClinVar:

ClinVar aggregate classification (germline): Uncertain significance (1 of 4 stars; one submission).

Submission:

Labcorp Genetics (formerly Invitae), Labcorp
Classification: Uncertain significance. Last evaluated: 2020-08-04. Review status: criteria provided, single submitter. Criteria: Invitae Variant Classification Sherloc (09022015). Collection method: clinical testing. Allele origin: germline.
Comment: This sequence change replaces tyrosine with serine at codon 1762 of the PRPF8 protein (p.Tyr1762Ser). The tyrosine residue is moderately conserved and there is a large physicochemical difference between tyrosine and serine. In summary, the available evidence is currently insufficient to determine the role of this variant in disease. Therefore, it has been classified as a Variant of Uncertain Significance. Algorithms developed to predict the effect of missense changes on protein structure and function are either unavailable or do not agree on the potential impact of this missense change (SIFT: "Deleterious"; PolyPhen-2: "Possibly Damaging"; Align-GVGD: "Class C0"). This variant has not been reported in the literature in individuals with PRPF8-related conditions. This variant is not present in population databases (ExAC no frequency).

NM_006445.4(PRPF8):c.5285A>C (p.Tyr1762Ser)

Gene: PRPF8 (pre-mRNA processing factor 8; minus strand). Cytogenetic location: 17p13.3.
Variant type: single nucleotide variant.
Coding change: c.5285A>C on transcript NM_006445.4 (MANE Select); coding-DNA position 5285, A replaced by C.
Protein change: p.Tyr1762Ser; replaces tyrosine 1762 with serine.
Molecular consequence: missense variant.
Genome position (GRCh38, 1-based): chr17:1,658,617, T>G on the plus strand (A>C on the coding strand, the complement: PRPF8 is on the minus strand). VCF-style: chr17-1658617-T-G. GRCh37 (hg19) VCF-style: chr17-1561911-T-G.
Other names: short protein forms Y1762S.
Identifiers: ClinVar variation 1016966 (VCV001016966.5), dbSNP rs1911519224, ClinGen allele CA397572900.